The following is an entry in ClinVar:

NM_015122.3(FCHO1):c.1994G>C (p.Arg665Pro)

Gene: FCHO1 (FCH and mu domain containing endocytic adaptor 1; plus strand). Cytogenetic location: 19p13.11.
Variant type: single nucleotide variant.
Coding change: c.1994G>C on transcript NM_015122.3 (MANE Select); coding-DNA position 1994, G replaced by C.
Protein change: p.Arg665Pro; replaces arginine 665 with proline.
Molecular consequence: missense variant. On other transcripts: non-coding transcript variant (36).
Genome position (GRCh38, 1-based): chr19:17,783,073, G>C. VCF-style: chr19-17783073-G-C. GRCh37 (hg19) VCF-style: chr19-17893882-G-C.
Other names: c.1994G>C, p.Arg665Pro (NM_001161357.2, NM_001161358.2, NM_001384370.1 and 13 more transcripts); c.1844G>C, p.Arg615Pro (NM_001161359.2, NM_001384384.1, NM_001384385.1 and 1 more transcripts); c.1955G>C, p.Arg652Pro (NM_001384388.1, NM_001384389.1, NM_001384405.1); c.1919G>C, p.Arg640Pro (NM_001384390.1); c.1877G>C, p.Arg626Pro (NM_001384392.1, NM_001384393.1, NM_001384394.1 and 1 more transcripts); c.1718G>C, p.Arg573Pro (NM_001384396.1, NM_001384397.1, NM_001384398.1 and 5 more transcripts); c.1673G>C, p.Arg558Pro (NM_001384403.1); c.1568G>C, p.Arg523Pro (NM_001384406.1); and 1 more; short protein forms R475P, R523P, R573P, R640P, R665P, R615P, R558P, R626P.
Identifiers: ClinVar variation 1367740 (VCV001367740.3), dbSNP rs761547319, ClinGen allele CA404755959.
Genomic context (GRCh38, chr19:17,783,073, plus strand): 5'-CTAGCTGCCTGGCTCGAGTAACTGGGGAGCTGACCATGACCTTCCCTGCTGGCATCGTGC[G>C]TGTGTTCAGCGGGACCCCACCACCACCTGTCCTCAGCTTCCGGCTTGTACACACAACCGC-3'
Protein context (NP_055937.1, residues 655-675): LTMTFPAGIV[Arg665Pro]VFSGTPPPPV

ClinVar aggregate classification (germline): Uncertain significance (1 of 4 stars; one submission).

gnomAD v4.1: 6 of 1,613,996 alleles (0.00037%); highest among the groups gnomAD compares: Non-Finnish European, 0.00042%; no homozygotes.

Submission:

Labcorp Genetics (formerly Invitae), Labcorp
Classification: Uncertain significance. Last evaluated: 2021-08-09. Review status: criteria provided, single submitter. Criteria: Invitae Variant Classification Sherloc (09022015). Collection method: clinical testing. Allele origin: germline.
Comment: This sequence change replaces arginine with proline at codon 665 of the FCHO1 protein (p.Arg665Pro). The arginine residue is moderately conserved and there is a moderate physicochemical difference between arginine and proline. This variant is not present in population databases (ExAC no frequency). This variant has not been reported in the literature in individuals affected with FCHO1-related conditions. Algorithms developed to predict the effect of missense changes on protein structure and function are either unavailable or do not agree on the potential impact of this missense change (SIFT: "Tolerated"; PolyPhen-2: "Probably Damaging"; Align-GVGD: "Class C0"). In summary, the available evidence is currently insufficient to determine the role of this variant in disease. Therefore, it has been classified as a Variant of Uncertain Significance.